The following is an entry in ClinVar:

NM_001853.4(COL9A3):c.391C>G (p.Pro131Ala)

Gene: COL9A3 (collagen type IX alpha 3 chain; plus strand). Cytogenetic location: 20q13.33.
Variant type: single nucleotide variant.
Coding change: c.391C>G on transcript NM_001853.4 (MANE Select); coding-DNA position 391, C replaced by G.
Protein change: p.Pro131Ala; replaces proline 131 with alanine.
Molecular consequence: missense variant.
Genome position (GRCh38, 1-based): chr20:62,821,778, C>G. VCF-style: chr20-62821778-C-G. GRCh37 (hg19) VCF-style: chr20-61453130-C-G.
Other names: c.391C>G (NM_001853.3); short protein forms P131A.
Identifiers: ClinVar variation 1970002 (VCV001970002.7), dbSNP rs766715410, ClinGen allele CA9949230.
Genomic context (GRCh38, chr20:62,821,778, plus strand): 5'-CGGGTGCAGACCTCCCCACCTCTCTTTACTTCCCTCCAGGGAGAGGCAGGAGTGAGCGGC[C>G]CCCCAGGTGGGATCGGCCTCCGCGGCCCCCCGGTGAGTGGCTGTCCCAGAGCCCCTCAGA-3'
Protein context (NP_001844.3, residues 121-141): GPPGEAGVSG[Pro131Ala]PGGIGLRGPP

ClinVar aggregate classification (germline): Uncertain significance. Review status: criteria provided, multiple submitters, no conflicts (2 of 4 stars). 3 submissions from 3 submitters: Uncertain significance (3). Last evaluated 2026-03-17.

Conditions:
Inborn genetic diseases. Identifiers: MedGen C0950123, MeSH D030342.

Allele frequency attached by ClinVar (database versions not stated): ExAC 0.00001; TOPMed 0.00001.

Submissions (3):

Women's Health and Genetics/Laboratory Corporation of America, LabCorp
Classification: Uncertain significance. Last evaluated: 2026-03-17. Review status: criteria provided, single submitter. Criteria: LabCorp Variant Classification Summary - May 2015. Collection method: clinical testing. Allele origin: germline.
Comment: Variant summary: COL9A3 c.391C>G (p.Pro131Ala) results in a non-conservative amino acid change in the encoded protein sequence. Algorithms developed to predict the effect of missense changes on protein structure and function are either unavailable or do not agree on the potential impact of this missense change. The variant allele was found at a frequency of 4.1e-06 in 243880 control chromosomes. The available data on variant occurrences in the general population are insufficient to allow any conclusion about variant significance. To our knowledge, no occurrence of c.391C>G in individuals affected with COL9A3-related conditions and no experimental evidence demonstrating its impact on protein function have been reported. ClinVar contains an entry for this variant (Variation ID: 1970002). Based on the evidence outlined above, the variant was classified as uncertain significance.

Ambry Genetics
Classification: Uncertain significance for Inborn genetic diseases. Last evaluated: 2024-06-02. Review status: criteria provided, single submitter. Criteria: Ambry Variant Classification Scheme 2023. Collection method: clinical testing. Allele origin: germline.

Labcorp Genetics (formerly Invitae), Labcorp
Classification: Uncertain significance. Last evaluated: 2022-08-07. Review status: criteria provided, single submitter. Criteria: Invitae Variant Classification Sherloc (09022015). Collection method: clinical testing. Allele origin: germline.
Comment: In summary, the available evidence is currently insufficient to determine the role of this variant in disease. Therefore, it has been classified as a Variant of Uncertain Significance. Advanced modeling of protein sequence and biophysical properties (such as structural, functional, and spatial information, amino acid conservation, physicochemical variation, residue mobility, and thermodynamic stability) performed at Invitae indicates that this missense variant is not expected to disrupt COL9A3 protein function. This variant has not been reported in the literature in individuals affected with COL9A3-related conditions. This variant is present in population databases (rs766715410, gnomAD 0.0009%). This sequence change replaces proline, which is neutral and non-polar, with alanine, which is neutral and non-polar, at codon 131 of the COL9A3 protein (p.Pro131Ala).